The following is an entry in ClinVar:

NM_001371928.1(AHDC1):c.3890C>T (p.Pro1297Leu)

Gene: AHDC1 (AT-hook DNA binding motif containing 1; minus strand). Cytogenetic location: 1p36.11.
Variant type: single nucleotide variant.
Coding change: c.3890C>T on transcript NM_001371928.1 (MANE Select); coding-DNA position 3890, C replaced by T.
Protein change: p.Pro1297Leu; replaces proline 1297 with leucine.
Molecular consequence: missense variant.
Genome position (GRCh38, 1-based): chr1:27,548,226, G>A on the plus strand (C>T on the coding strand, the complement: AHDC1 is on the minus strand). VCF-style: chr1-27548226-G-A. GRCh37 (hg19) VCF-style: chr1-27874737-G-A.
Other names: c.3890C>T, p.Pro1297Leu (NM_001029882.3); c.-154C>T (NM_015699.1); short protein forms P1297L.
Identifiers: ClinVar variation 2033614 (VCV002033614.4), dbSNP rs2521837140, ClinGen allele CA339224789.

ClinVar aggregate classification (germline): Uncertain significance (1 of 4 stars; one submission).

Allele frequency attached by ClinVar (database versions not stated): gnomAD exomes below 0.00001.
gnomAD v4.1: 2 of 1,613,242 alleles (0.00012%); highest among the groups gnomAD compares: Non-Finnish European, 0.00017%; no homozygotes.

Submission:

Labcorp Genetics (formerly Invitae), Labcorp
Classification: Uncertain significance. Last evaluated: 2025-06-23. Review status: criteria provided, single submitter. Criteria: Invitae Variant Classification Sherloc (09022015). Collection method: clinical testing. Allele origin: germline.
Comment: This sequence change replaces proline, which is neutral and non-polar, with leucine, which is neutral and non-polar, at codon 1297 of the AHDC1 protein (p.Pro1297Leu). This variant is not present in population databases (gnomAD no frequency). This variant has not been reported in the literature in individuals affected with AHDC1-related conditions. ClinVar contains an entry for this variant (Variation ID: 2033614). An algorithm developed to predict the effect of missense changes on protein structure and function (PolyPhen-2) suggests that this variant is likely to be disruptive. In summary, the available evidence is currently insufficient to determine the role of this variant in disease. Therefore, it has been classified as a Variant of Uncertain Significance.